The following is an entry in ClinVar:

NM_005045.4(RELN):c.5545C>T (p.Leu1849Phe)

Gene: RELN (reelin; minus strand). Cytogenetic location: 7q22.1.
Variant type: single nucleotide variant.
Coding change: c.5545C>T on transcript NM_005045.4 (MANE Select); coding-DNA position 5545, C replaced by T.
Protein change: p.Leu1849Phe; replaces leucine 1849 with phenylalanine.
Molecular consequence: missense variant.
Genome position (GRCh38, 1-based): chr7:103,558,034, G>A on the plus strand (C>T on the coding strand, the complement: RELN is on the minus strand). VCF-style: chr7-103558034-G-A. GRCh37 (hg19) VCF-style: chr7-103198481-G-A.
Other names: c.5545C>T, p.Leu1849Phe (NM_173054.3); short protein forms L1849F.
Identifiers: ClinVar variation 2946314 (VCV002946314.7), dbSNP rs2484727916, ClinGen allele CA368742652.

ClinVar aggregate classification (germline): Uncertain significance. Review status: criteria provided, multiple submitters, no conflicts (2 of 4 stars). 2 submissions from 2 submitters: Uncertain significance (2). Last evaluated 2026-02-01.

Conditions:
Norman-Roberts syndrome (LIS2). Also called: Lissencephaly 2 (Norman-Roberts type). Identifiers: Orphanet 89844, MedGen C0796089, MONDO:0009760, OMIM 257320.
Familial temporal lobe epilepsy 7. Identifiers: Orphanet 101046, MedGen C4225327, MONDO:0014639, OMIM 616436.

Submissions (2):

CeGaT Center for Human Genetics Tuebingen
Classification: Uncertain significance. Last evaluated: 2026-02-01. Review status: criteria provided, single submitter. Criteria: CeGaT Center For Human Genetics Tuebingen Variant Classification Criteria Version 2. Collection method: clinical testing. Allele origin: germline. Affected: yes. Observed: 1 variant allele.
Comment: RELN: PM2

Labcorp Genetics (formerly Invitae), Labcorp
Classification: Uncertain significance for Familial temporal lobe epilepsy 7; Norman-Roberts syndrome. Last evaluated: 2023-04-07. Review status: criteria provided, single submitter. Criteria: Invitae Variant Classification Sherloc (09022015). Collection method: clinical testing. Allele origin: germline.
Comment: In summary, the available evidence is currently insufficient to determine the role of this variant in disease. Therefore, it has been classified as a Variant of Uncertain Significance. Advanced modeling of protein sequence and biophysical properties (such as structural, functional, and spatial information, amino acid conservation, physicochemical variation, residue mobility, and thermodynamic stability) performed at Invitae indicates that this missense variant is not expected to disrupt RELN protein function. This variant has not been reported in the literature in individuals affected with RELN-related conditions. This variant is not present in population databases (gnomAD no frequency). This sequence change replaces leucine, which is neutral and non-polar, with phenylalanine, which is neutral and non-polar, at codon 1849 of the RELN protein (p.Leu1849Phe).